The following is an entry in ClinVar:

NM_002834.5(PTPN11):c.1495T>C (p.Ser499Pro)

Gene: PTPN11 (protein tyrosine phosphatase non-receptor type 11; plus strand). Cytogenetic location: 12q24.13.
Variant type: single nucleotide variant.
Coding change: c.1495T>C on transcript NM_002834.5 (MANE Select); coding-DNA position 1495, T replaced by C.
Protein change: p.Ser499Pro; replaces serine 499 with proline.
Molecular consequence: missense variant.
Genome position (GRCh38, 1-based): chr12:112,489,071, T>C. VCF-style: chr12-112489071-T-C. GRCh37 (hg19) VCF-style: chr12-112926875-T-C.
Other names: c.1507T>C, p.Ser503Pro (NM_001330437.2); c.1492T>C, p.Ser498Pro (NM_001374625.1); short protein forms S498P, S499P, S503P.
Identifiers: ClinVar variation 1709139 (VCV001709139.2), dbSNP rs1566186813, ClinGen allele CA386779811.

ClinVar aggregate classification (germline): Likely pathogenic (1 of 4 stars; one submission).

Conditions:
Noonan syndrome 1 (NS1). Also called: FEMALE PSEUDO-TURNER SYNDROME; TURNER PHENOTYPE WITH NORMAL KARYOTYPE; PTPN11-Related Noonan Syndrome. Identifiers: Orphanet 648, MedGen C4551602, MONDO:0008104, OMIM 163950. Disease mechanism: gain of function.

Allele frequency attached by ClinVar (database versions not stated): gnomAD exomes below 0.00001.
gnomAD v4.1: 1 of 1,614,130 alleles (0.000062%); highest among the groups gnomAD compares: Non-Finnish European, 0.000085%; no homozygotes.

Submission:

MGZ Medical Genetics Center
Classification: Likely pathogenic for Noonan syndrome 1. Last evaluated: 2021-08-04. Review status: criteria provided, single submitter. Criteria: ACMG Guidelines, 2015. Collection method: clinical testing. Allele origin: germline. Affected: yes. Observed: 1 variant allele.
Comment: ACMG criteria applied: PM1, PM5, PM2_SUP, PP2, PP3